The following is an entry in ClinVar:

ClinVar aggregate classification (germline): Pathogenic (1 of 4 stars; one submission).

Conditions:
Treacher Collins syndrome 1 (TCS1). Also called: TCOF1-Related Treacher Collins Syndrome. Identifiers: Orphanet 861, MedGen CN315775, MONDO:0007944, OMIM 154500.

Submission:

Labcorp Genetics (formerly Invitae), Labcorp
Classification: Pathogenic for Treacher Collins syndrome 1. Last evaluated: 2019-02-14. Review status: criteria provided, single submitter. Criteria: Invitae Variant Classification Sherloc (09022015). Collection method: clinical testing. Allele origin: germline.
Comment: For these reasons, this variant has been classified as Pathogenic. Loss-of-function variants in TCOF1 are known to be pathogenic (PMID: 8894686, 22317976). This variant has not been reported in the literature in individuals with TCOF1-related conditions. This variant is not present in population databases (ExAC no frequency). This sequence change creates a premature translational stop signal (p.Ala1166Glyfs*29) in the TCOF1 gene. It is expected to result in an absent or disrupted protein product.

Literature cited by the submitters: PubMed 8894686; PubMed 22317976.

NM_001371623.1(TCOF1):c.3496dup (p.Ala1166fs)

Gene: TCOF1 (treacle ribosome biogenesis factor 1; plus strand). Cytogenetic location: 5q32.
Variant type: Duplication.
Coding change: c.3496dup on transcript NM_001371623.1 (MANE Select); coding-DNA position 3496, one base duplicated (G; older notation c.3496dupG).
Protein change: p.Ala1166fs; shifts the reading frame from alanine 1166.
Molecular consequence: frameshift variant.
Genome position (GRCh38, 1-based): chr5:150,392,155, G duplicated; the last of 5 consecutive G bases (chr5:150,392,151-150,392,155); duplicating any one gives the same sequence. VCF-style (leftmost placement, unchanged base first): chr5-150392150-A-AG. GRCh37 (hg19) VCF-style: chr5-149771713-A-AG.
Other names: c.3265dup, p.Ala1089fs (NM_000356.4, NM_001135245.2); c.3496dup, p.Ala1166fs (NM_001135243.2); c.3382dup, p.Ala1128fs (NM_001135244.2, NM_001195141.2); short protein forms A1128fs, A1089fs, A1166fs.
Identifiers: ClinVar variation 836618 (VCV000836618.8), dbSNP rs35868965, ClinGen allele CA916082792.